The following is an entry in ClinVar:

NM_005529.7(HSPG2):c.6545A>C (p.Gln2182Pro)

Genes: HSPG2 (heparan sulfate proteoglycan 2; minus strand), LOC126805655 (CDK7 strongly-dependent group 2 enhancer GRCh37_chr1:22178409-22179608; plus strand). Cytogenetic location: 1p36.12.
Variant type: single nucleotide variant.
Coding change: c.6545A>C on transcript NM_005529.7 (MANE Select); coding-DNA position 6545, A replaced by C.
Protein change: p.Gln2182Pro; replaces glutamine 2182 with proline.
Molecular consequence: missense variant.
Genome position (GRCh38, 1-based): chr1:21,852,965, T>G on the plus strand (A>C on the coding strand, the complement: HSPG2 is on the minus strand). VCF-style: chr1-21852965-T-G. GRCh37 (hg19) VCF-style: chr1-22179458-T-G.
Other names: c.6548A>C, p.Gln2183Pro (NM_001291860.2); short protein forms Q2183P, Q2182P.
Identifiers: ClinVar variation 1029970 (VCV001029970.4), dbSNP rs1401615464, ClinGen allele CA338930285.

ClinVar aggregate classification (germline): Uncertain significance. Review status: criteria provided, multiple submitters, no conflicts (2 of 4 stars). 2 submissions from 2 submitters: Uncertain significance (2). Last evaluated 2023-05-28.

Conditions:
Schwartz-Jampel syndrome. Also called: Myotonic myopathy dwarfism chondrodystrophy and ocular and facial abnormalities. Identifiers: Orphanet 800, MedGen C0036391, MONDO:0009717.

Allele frequency attached by ClinVar (database versions not stated): gnomAD exomes below 0.00001.
gnomAD v4.1: 5 of 1,613,548 alleles (0.00031%); highest among the groups gnomAD compares: Non-Finnish European, 0.00034%; no homozygotes.

Submissions (2):

Labcorp Genetics (formerly Invitae), Labcorp
Classification: Uncertain significance. Last evaluated: 2023-05-28. Review status: criteria provided, single submitter. Criteria: Invitae Variant Classification Sherloc (09022015). Collection method: clinical testing. Allele origin: germline.
Comment: In summary, the available evidence is currently insufficient to determine the role of this variant in disease. Therefore, it has been classified as a Variant of Uncertain Significance. An algorithm developed to predict the effect of missense changes on protein structure and function (PolyPhen-2) suggests that this variant is likely to be disruptive. ClinVar contains an entry for this variant (Variation ID: 1029970). This variant has not been reported in the literature in individuals affected with HSPG2-related conditions. This variant is present in population databases (no rsID available, gnomAD 0.0009%). This sequence change replaces glutamine, which is neutral and polar, with proline, which is neutral and non-polar, at codon 2182 of the HSPG2 protein (p.Gln2182Pro).

Baylor Genetics
Classification: Uncertain significance for Schwartz-Jampel syndrome type 1. Last evaluated: 2020-09-09. Review status: criteria provided, single submitter. Criteria: ACMG Guidelines, 2015. Collection method: clinical testing. Allele origin: unknown. Affected: yes.
Comment: This variant was determined to be of uncertain significance according to ACMG Guidelines, 2015 [PMID:25741868].